The following is an entry in ClinVar:

ClinVar aggregate classification (germline): Uncertain significance. Review status: criteria provided, multiple submitters, no conflicts (2 of 4 stars). 2 submissions from 2 submitters: Uncertain significance (2). Last evaluated 2024-10-10.

Conditions:
Familial thoracic aortic aneurysm and aortic dissection (TAAD). Also called: Thoracic aortic aneurysms and dissections. Identifiers: Orphanet 91387, MedGen C4707243, MONDO:0019625.
Marfan syndrome (MFS). Also called: Marfan syndrome type 1; Marfan syndrome, classic; Marfan's syndrome; FBN1-Related Marfan Syndrome; MARFAN SYNDROME, TYPE I. Identifiers: Orphanet 284963, Orphanet 558, MedGen C0024796, MONDO:0007947, OMIM 154700.

Submissions (2):

Victorian Clinical Genetics Services, Murdoch Childrens Research Institute
Classification: Uncertain significance for Marfan syndrome. Last evaluated: 2024-10-10. Review status: criteria provided, single submitter. Criteria: ACMG Guidelines, 2015. Collection method: clinical testing. Allele origin: germline. Inheritance: Autosomal dominant inheritance. Affected: yes.
Comment: Based on the classification scheme VCGS_Germline_v1.3.5, this variant is classified as VUS-3A. Following criteria are met: 0103 - Dominant negative and loss of function are known mechanisms of disease in this gene and are associated with FBN1-related disease. Variants predicted to result in nonsense mediated decay cause loss of function effects, and are more commonly associated with severe Marfan syndrome (MIM#154700). Missense variants with both dominant negative and loss of function effects on protein function, are associated with Marfan syndrome and ectopia lentis (MIM#129600) (OMIM, PMID: 29357934). The exact genotype-phenotype correlation for this gene is still unclear, and is compounded by variable expressivity (PMID: 20301510). (I) 0107 - This gene is predominantly associated with autosomal dominant disease; autosomal recessive forms of Marfan syndrome have rarely been reported (PMID: 27274304; 31950671). (I) 0115 - Variants in this gene are known to have variable expressivity. The genotype-phenotype correlations for this gene are unclear, with single variants reported in patients with a range of phenotypes (PMID: 20301510, OMIM). (I) 0200 - Variant is predicted to result in a missense amino acid change from glycine to glutamic acid. (I) 0251 - This variant is heterozygous. (I) 0301 - Variant is absent from gnomAD (v2, v3 and v4). (SP) 0501 - Missense variant consistently predicted to be damaging by multiple in silico tools or highly conserved with a major amino acid change. (SP) 0604 - Variant is not located in an established domain, motif, hotspot or informative constraint region. (I) 0705 - No comparable missense variants have previous evidence for pathogenicity. (I) 0809 - Previous evidence of pathogenicity for this variant is inconclusive. Variant has a single VUS report in ClinVar. (I) 0905 - No published segregation evidence has been identified for this variant. (I) 1007 - No published functional evidence has been identified for this variant. (SP) Legend: (SP) - Supporting pathogenic, (I) - Information, (SB) - Supporting benign

Labcorp Genetics (formerly Invitae), Labcorp
Classification: Uncertain significance for Marfan syndrome; Familial thoracic aortic aneurysm and aortic dissection. Last evaluated: 2017-11-07. Review status: criteria provided, single submitter. Criteria: Invitae Variant Classification Sherloc (09022015). Collection method: clinical testing. Allele origin: germline.
Comment: This variant has not been reported in the literature in individuals with FBN1-related disease. This sequence change replaces glycine with glutamic acid at codon 1592 of the FBN1 protein (p.Gly1592Glu). The glycine residue is highly conserved and there is a moderate physicochemical difference between glycine and glutamic acid. This variant is not present in population databases (ExAC no frequency). Algorithms developed to predict the effect of missense changes on protein structure and function do not agree on the potential impact of this missense change (SIFT: "Tolerated"; PolyPhen-2: "Probably Damaging"; Align-GVGD: "Class C0"). In summary, the available evidence is currently insufficient to determine the role of this variant in disease. Therefore, it has been classified as a Variant of Uncertain Significance.

Literature cited by the submitters: PubMed 20301510 (cited by Victorian Clinical Genetics Services, Murdoch Childrens Research Institute); PubMed 27274304 (cited by Victorian Clinical Genetics Services, Murdoch Childrens Research Institute); PubMed 29357934 (cited by Victorian Clinical Genetics Services, Murdoch Childrens Research Institute); PubMed 31950671 (cited by Victorian Clinical Genetics Services, Murdoch Childrens Research Institute).

NM_000138.5(FBN1):c.4775G>A (p.Gly1592Glu)

Gene: FBN1 (fibrillin 1; minus strand). Cytogenetic location: 15q21.1.
Variant type: single nucleotide variant.
Coding change: c.4775G>A on transcript NM_000138.5 (MANE Select); coding-DNA position 4775, G replaced by A.
Protein change: p.Gly1592Glu; replaces glycine 1592 with glutamic acid.
Molecular consequence: missense variant.
Genome position (GRCh38, 1-based): chr15:48,465,831, C>T on the plus strand (G>A on the coding strand, the complement: FBN1 is on the minus strand). VCF-style: chr15-48465831-C-T. GRCh37 (hg19) VCF-style: chr15-48758028-C-T.
Other names: short protein forms G1592E.
Identifiers: ClinVar variation 527147 (VCV000527147.9), dbSNP rs1555397019, ClinGen allele CA392351738.